The following is an entry in ClinVar:

ClinVar aggregate classification (germline): not provided (0 of 4 stars; one submission).

Conditions:
Small for gestational age. Also called: Low birth weight. Identifiers: MedGen C0235991, HP:0001518.

Submission:

Institute of Molecular and Cell Biology, University of Tartu
No classification provided. Condition: Small for gestational age. Review status: no classification provided. Collection method: case-control. Allele origin: unknown. Affected: yes. Study: Kasak2014.
Comment: The study aimed to determine the contribution of copy number variants in the genetic etiology of normal and complicated pregnancies. The samples represented (i) maternal blood DNA drawn from healthy pregnant women during 1st or 2nd trimester and (ii) maternal and paternal blood DNA drawn at term pregnancy cases representing normal and complicated gestations (severe preeclampsia, PE; gestational diabetes, GD; small-for-gestational age newborn, SGA; large-for-gestational age newborn, LGA). We performed CNV calling based on genome-wide genotyping dataset (Illumina HumanOmniExpress-24-v1 BeadChip) by applying three algorithms, QuantiSNP, GADA (Genome Alteration Detection Algorithm) and CNstream in parallel. The acquired CNV calls were merged with HD-CNV (Hotspot Detector for Copy Number Variants) program and only the CNVs predicted by at least two programs, were considered in subsequent analysis.

Literature cited by the submitters: PubMed 25666259.

Single allele

Variant type: Deletion.
Identifiers: ClinVar variation 157141 (VCV000157141.2).